The following is an entry in ClinVar:

ClinVar aggregate classification (germline): Likely benign. Review status: criteria provided, multiple submitters, no conflicts (2 of 4 stars). 2 submissions from 2 submitters: Likely benign (2). Last evaluated 2026-02-17.

Conditions:
SCLT1-related disorder. Also called: SCLT1-related condition.

Allele frequency attached by ClinVar (database versions not stated): gnomAD exomes 0.00001; TOPMed 0.00001; ExAC 0.00004.
gnomAD v4.1: 11 of 1,452,456 alleles (0.00076%); highest among the groups gnomAD compares: Admixed American, 0.019%; no homozygotes.

Submissions (2):

PreventionGenetics, part of Exact Sciences
Classification: Likely benign for SCLT1-related condition. Last evaluated: 2026-02-17. Review status: criteria provided, single submitter. Criteria: ACMG Guidelines, 2015. Collection method: clinical testing. Allele origin: germline.
Comment: This variant is classified as likely benign based on ACMG/AMP sequence variant interpretation guidelines (Richards et al. 2015 PMID: 25741868, with internal and published modifications).

Labcorp Genetics (formerly Invitae), Labcorp
Classification: Likely benign. Last evaluated: 2023-08-04. Review status: criteria provided, single submitter. Criteria: Invitae Variant Classification Sherloc (09022015). Collection method: clinical testing. Allele origin: germline.

NM_144643.4(SCLT1):c.687-10T>C

Gene: SCLT1 (sodium channel and clathrin linker 1; minus strand). Cytogenetic location: 4q28.2.
Variant type: single nucleotide variant.
Coding change: c.687-10T>C on transcript NM_144643.4 (MANE Select); 10 bases into the intron before coding-DNA position 687, T replaced by C.
Molecular consequence: intron variant.
Genome position (GRCh38, 1-based): chr4:128,970,478, A>G on the plus strand (T>C on the coding strand, the complement: SCLT1 is on the minus strand). VCF-style: chr4-128970478-A-G. GRCh37 (hg19) VCF-style: chr4-129891633-A-G.
Other names: c.687-10T>C (NM_144643.3).
Identifiers: ClinVar variation 1964837 (VCV001964837.6), dbSNP rs759746471, ClinGen allele CA3079839.
Genomic context (GRCh38, chr4:128,970,478, plus strand): 5'-GTTAACTCTTCCACTTTTGCTACAGCAACTCTCAGCTCTAATTTGGCTTGCCTAAAAAAT[A>G]AAGTAAATTAATAAACACTGTTTTCATAGACCACTAAGAATAAAAAATTAGAATAGAAAT-3'